The following is an entry in ClinVar:

ClinVar aggregate classification (germline): Uncertain significance (1 of 4 stars; one submission).

Submission:

Greenwood Genetic Center Diagnostic Laboratories, Greenwood Genetic Center
Classification: Uncertain significance. Last evaluated: 2024-10-25. Review status: criteria provided, single submitter. Criteria: ACMG Guidelines, 2015. Collection method: clinical testing. Allele origin: germline. Affected: yes.
Comment: Gene of Uncertain Significance

NM_001033057.2(MAGI1):c.3031C>G (p.Arg1011Gly)

Gene: MAGI1 (membrane associated guanylate kinase, WW and PDZ domain containing 1; minus strand). Cytogenetic location: 3p14.1.
Variant type: single nucleotide variant.
Coding change: c.3031C>G on transcript NM_001033057.2 (MANE Select); coding-DNA position 3031, C replaced by G.
Protein change: p.Arg1011Gly; replaces arginine 1011 with glycine.
Molecular consequence: missense variant.
Genome position (GRCh38, 1-based): chr3:65,375,910, G>C on the plus strand (C>G on the coding strand, the complement: MAGI1 is on the minus strand). VCF-style: chr3-65375910-G-C. GRCh37 (hg19) VCF-style: chr3-65361585-G-C.
Other names: c.3121C>G, p.Arg1041Gly (NM_001365903.2, NM_001365905.1); c.3118C>G, p.Arg1040Gly (NM_001365904.2, NM_004742.3); c.3115C>G, p.Arg1039Gly (NM_015520.2); short protein forms R1011G, R1039G, R1040G, R1041G.
Identifiers: ClinVar variation 3765729 (VCV003765729.1).